The following is an entry in ClinVar:

NM_004813.4(PEX16):c.423C>T (p.Ile141=)

Gene: PEX16 (peroxisomal biogenesis factor 16; minus strand). Cytogenetic location: 11p11.2.
Variant type: single nucleotide variant.
Coding change: c.423C>T on transcript NM_004813.4 (MANE Select); coding-DNA position 423, C replaced by T.
Protein change: p.Ile141=; no amino-acid change (isoleucine 141 retained).
Molecular consequence: synonymous variant.
Genome position (GRCh38, 1-based): chr11:45,915,505, G>A on the plus strand (C>T on the coding strand, the complement: PEX16 is on the minus strand). VCF-style: chr11-45915505-G-A. GRCh37 (hg19) VCF-style: chr11-45937056-G-A.
Other names: c.423C>T, p.Ile141= (NM_057174.3); c.423C>T (NM_004813.2).
Identifiers: ClinVar variation 1130485 (VCV001130485.11), dbSNP rs754277134, ClinGen allele CA5959979.
Genomic context (GRCh38, chr11:45,915,505, plus strand): 5'-CAGGGCTTGGGGAAGTAGCTCACCCGGGGGCTGTGCCTGGGTCTCTCTGTCCAGTGGAAC[G>A]ATAGGGGGTGAAGTCTGGAGGCCAGCCTTGAACCAGAGCAGCAGGAGCATCCGCAGTACA-3'
Protein context (NP_004804.2, residues 131-151): FKAGLQTSPP[Ile141=]VPLDRETQAQ

ClinVar aggregate classification (germline): Likely benign. Review status: criteria provided, single submitter (1 of 4 stars). 2 submissions from 2 submitters: Likely benign (1). 1 of the submissions does not count toward it. Last evaluated 2024-09-06.

Conditions:
Peroxisome biogenesis disorder. Identifiers: Orphanet 79189, MedGen C1832200, MONDO:0019234. Disease mechanism: loss of function.
PEX16-related disorder. Also called: PEX16-related condition.

Allele frequency attached by ClinVar (database versions not stated): ExAC 0.00002; gnomAD exomes 0.00002; gnomAD 0.00006 and 0.00007; TOPMed 0.00008.
gnomAD v4.1: 22 of 1,614,040 alleles (0.0014%); highest among the groups gnomAD compares: African/African-American, 0.013%; no homozygotes.

Submissions (2):

Labcorp Genetics (formerly Invitae), Labcorp
Classification: Likely benign for Peroxisome biogenesis disorder. Last evaluated: 2024-09-06. Review status: criteria provided, single submitter. Criteria: Invitae Variant Classification Sherloc (09022015). Collection method: clinical testing. Allele origin: germline.

PreventionGenetics, part of Exact Sciences
Classification: Likely benign for PEX16-related condition. Last evaluated: 2023-04-19. Review status: no assertion criteria provided. Collection method: clinical testing. Allele origin: germline. Not counted in ClinVar's aggregate classification.
Comment: This variant is classified as likely benign based on ACMG/AMP sequence variant interpretation guidelines (Richards et al. 2015 PMID: 25741868, with internal and published modifications).